The following is an entry in ClinVar:

ClinVar aggregate classification (germline): Pathogenic (1 of 4 stars; one submission).

Conditions:
Spondylodysplastic Ehlers-Danlos syndrome. Identifiers: Orphanet 536471, Orphanet 75496, MedGen C5680154, MONDO:0007526.

Submission:

Labcorp Genetics (formerly Invitae), Labcorp
Classification: Pathogenic for Spondylodysplastic Ehlers-Danlos syndrome. Last evaluated: 2025-09-04. Review status: criteria provided, single submitter. Criteria: Invitae Variant Classification Sherloc (09022015). Collection method: clinical testing. Allele origin: germline.
Comment: This sequence change creates a premature translational stop signal (p.Tyr194Profs*42) in the B4GALT7 gene. It is expected to result in an absent or disrupted protein product. Loss-of-function variants in B4GALT7 are known to be pathogenic (PMID: 26940150, 31614862, 38431799). This variant is present in population databases (rs761002833, gnomAD 0.0009%). This variant has not been reported in the literature in individuals affected with B4GALT7-related conditions. For these reasons, this variant has been classified as Pathogenic.

Literature cited by the submitters: PubMed 26940150; PubMed 31614862; PubMed 38431799.

NM_007255.3(B4GALT7):c.579_580del (p.Tyr194fs)

Gene: B4GALT7 (beta-1,4-galactosyltransferase 7; plus strand). Cytogenetic location: 5q35.3.
Variant type: Microsatellite.
Coding change: c.579_580del on transcript NM_007255.3 (MANE Select); coding-DNA positions 579 to 580, 2 bases deleted (CT; older notation c.579_580delCT).
Protein change: p.Tyr194fs; shifts the reading frame from tyrosine 194.
Molecular consequence: frameshift variant.
Genome position (GRCh38, 1-based): chr5:177,607,467-177,607,468, CT deleted; deleting any 2 consecutive bases within chr5:177,607,463-177,607,468 gives the same sequence; the c. name uses the placement nearest the transcript's 3' end. VCF-style (leftmost placement, unchanged base first): chr5-177607462-CCT-C. GRCh37 (hg19) VCF-style: chr5-177034463-CCT-C.
Other names: short protein forms Y194fs.
Identifiers: ClinVar variation 4759179 (VCV004759179.1).
Genomic context (GRCh38, chr5:177,607,462, plus strand): 5'-GAGCTGGACTATGGCTTTCCTGAGGCTGGGCCCTTCCACGTGGCCTCCCCGGAGCTCCAC[CCT>C]CTCTACCACTACAAGACCTATGTCGGCGGCATCCTGCTGCTCTCCAAGCAGCACTACCGG-3'